The following is an entry in ClinVar:

ClinVar aggregate classification (germline): Likely benign (1 of 4 stars; one submission).

gnomAD v4.1: 5 of 1,323,976 alleles (0.00038%); highest among the groups gnomAD compares: Middle Eastern, 0.02%; no homozygotes.

Submission:

GeneDx
Classification: Likely benign. Last evaluated: 2018-05-22. Review status: criteria provided, single submitter. Criteria: GeneDx Variant Classification (06012015). Collection method: clinical testing. Allele origin: germline. Affected: yes.
Comment: This variant is considered likely benign or benign based on one or more of the following criteria: it is a conservative change, it occurs at a poorly conserved position in the protein, it is predicted to be benign by multiple in silico algorithms, and/or has population frequency not consistent with disease.

NM_001743.6(CALM2):c.285+19A>C

Gene: CALM2 (calmodulin 2; minus strand). Cytogenetic location: 2p21.
Variant type: single nucleotide variant.
Coding change: c.285+19A>C on transcript NM_001743.6 (MANE Select); 19 bases into the intron after coding-DNA position 285, A replaced by C.
Molecular consequence: intron variant.
Genome position (GRCh38, 1-based): chr2:47,162,267, T>G on the plus strand (A>C on the coding strand, the complement: CALM2 is on the minus strand). VCF-style: chr2-47162267-T-G. GRCh37 (hg19) VCF-style: chr2-47389406-T-G.
Other names: c.429+19A>C (NM_001305624.1); c.177+19A>C (NM_001305626.1, NM_001305625.2).
Identifiers: ClinVar variation 668517 (VCV000668517.1), dbSNP rs768320501, ClinGen allele CA915944002.